The following is an entry in ClinVar:

ClinVar aggregate classification (germline): Pathogenic. Review status: criteria provided, single submitter (1 of 4 stars). 2 submissions from 2 submitters: Pathogenic (1). 1 of the submissions does not count toward it. Last evaluated 2016-03-18.

Conditions:
Myopathy, lactic acidosis, and sideroblastic anemia 2 (MLASA2). Identifiers: Orphanet 2598, MedGen C3150802, MONDO:0013307, OMIM 613561.

Allele frequency attached by ClinVar (database versions not stated): gnomAD exomes below 0.00001; TOPMed below 0.00001.

Submissions (2):

GeneDx
Classification: Pathogenic. Last evaluated: 2016-03-18. Review status: criteria provided, single submitter. Criteria: GeneDx Variant Classification (06012015). Collection method: clinical testing. Allele origin: germline. Affected: yes.
Comment: The G46D pathogenic variant in the YARS2 gene has been reported previously in the homozygous state in two individuals with mitochondrial respiratory chain complex defects (Sasarman et al., 2012; Taylor et al., 2014). Immunoblot analysis for one of these individuals demonstrated that the G46D variant generates undetectable levels of YARS2 protein in myoblasts and myotubes and results in a generalized mitochondrial translation defect (Sasarman et al., 2012). This variant was not observed in approximately 6500 individuals of European and African American ancestry in the NHLBI Exome Sequencing Project, indicating it is not a common variant in these populations. The G46D variant is a non-conservative amino acid substitution, which is likely to impact secondary protein structure as these residues differ in polarity, charge, size and/or other properties. This substitution occurs at a position that is conserved across species, and in silico analysis predicts this variant is probably damaging to the protein structure/function. We interpret G46D as a pathogenic variant.

OMIM
Classification: Pathogenic for MYOPATHY, LACTIC ACIDOSIS, AND SIDEROBLASTIC ANEMIA 2. Last evaluated: 2012-08-01. Review status: no assertion criteria provided. Collection method: literature only. Allele origin: germline. Not counted in ClinVar's aggregate classification.

Literature cited by the submitters: PubMed 12075011 (cited by OMIM); PubMed 22504945 (cited by OMIM).

NM_001040436.3(YARS2):c.137G>A (p.Gly46Asp)

Gene: YARS2 (tyrosyl-tRNA synthetase 2; minus strand). Cytogenetic location: 12p11.21.
Variant type: single nucleotide variant.
Coding change: c.137G>A on transcript NM_001040436.3 (MANE Select); coding-DNA position 137, G replaced by A.
Protein change: p.Gly46Asp; replaces glycine 46 with aspartic acid.
Molecular consequence: missense variant.
Genome position (GRCh38, 1-based): chr12:32,755,738, C>T on the plus strand (G>A on the coding strand, the complement: YARS2 is on the minus strand). VCF-style: chr12-32755738-C-T. GRCh37 (hg19) VCF-style: chr12-32908672-C-T.
Other names: short protein forms G46D.
Identifiers: ClinVar variation 102433 (VCV000102433.3), dbSNP rs587777213, ClinGen allele CA150747.